The following is an entry in ClinVar:

ClinVar aggregate classification (germline): Pathogenic (1 of 4 stars; one submission).

Conditions:
Nephronophthisis 1 (NPHP1). Also called: Nephronophthisis familial juvenile. Identifiers: Orphanet 655, Orphanet 93592, MedGen C1855681, MONDO:0009728, OMIM 256100.

Submission:

3billion
Classification: Pathogenic for Nephronophthisis 1. Last evaluated: 2023-02-23. Review status: criteria provided, single submitter. Criteria: ACMG Guidelines, 2015. Collection method: clinical testing. Allele origin: unknown. Affected: yes.
Comment: The variant is not observed in the gnomAD v2.1.1 dataset. This variant was predicted to alter splicing and result in a loss or disruption of normal protein function. Multiple pathogenic loss-of-function variants are reported downstream of the variant. Therefore, this variant is classified as Pathogenic according to the recommendation of ACMG/AMP guideline.

NM_001128178.3(NPHP1):c.625-1G>A

Gene: NPHP1 (nephrocystin 1; minus strand). Cytogenetic location: 2q13.
Variant type: single nucleotide variant.
Coding change: c.625-1G>A on transcript NM_001128178.3 (MANE Select); the canonical splice acceptor site of the intron before coding-DNA position 625, G replaced by A.
Molecular consequence: splice acceptor variant.
Genome position (GRCh38, 1-based): chr2:110,165,156, C>T on the plus strand (G>A on the coding strand, the complement: NPHP1 is on the minus strand). VCF-style: chr2-110165156-C-T. GRCh37 (hg19) VCF-style: chr2-110922733-C-T.
Other names: c.439-1G>A (NM_001128179.3); c.625-1G>A (NM_001374256.1, NM_001374257.1, NM_207181.4 and 1 more transcripts).
Identifiers: ClinVar variation 2444262 (VCV002444262.1), dbSNP rs2467374878, ClinGen allele CA348092483.
Genomic context (GRCh38, chr2:110,165,156, plus strand): 5'-TACATCTTCTTCACTGCCCTCTTCACTTGACTCTTGGCCTTCTTCTTCTTCACTATAAGG[C>T]TAAAAAACCATTGAAATGTGAAGTGCTTTTTAACTAATGCAAAAAACAACCAATAAAAAT-3'